The following is an entry in ClinVar:

ClinVar aggregate classification (germline): Uncertain significance (1 of 4 stars; one submission).

Conditions:
Asphyxiating thoracic dystrophy 5 (SRTD5). Also called: SHORT-RIB THORACIC DYSPLASIA 5 WITHOUT POLYDACTYLY; SHORT-RIB THORACIC DYSPLASIA 5 WITH OR WITHOUT POLYDACTYLY. Identifiers: Orphanet 474, MedGen C3280598, MONDO:0013717, OMIM 614376.
Senior-Loken syndrome 8 (SLSN8). Identifiers: Orphanet 3156, MedGen C4225376, MONDO:0014579, OMIM 616307.

Allele frequency attached by ClinVar (database versions not stated): gnomAD exomes 0.00002 and 0.00003; TOPMed 0.00002; gnomAD 0.00003; ExAC 0.00004.
gnomAD v4.1: 34 of 1,549,998 alleles (0.0022%); highest among the groups gnomAD compares: Middle Eastern, 0.033%; no homozygotes.

Submission:

Labcorp Genetics (formerly Invitae), Labcorp
Classification: Uncertain significance for Senior-Loken syndrome 8; Asphyxiating thoracic dystrophy 5. Last evaluated: 2022-06-12. Review status: criteria provided, single submitter. Criteria: Invitae Variant Classification Sherloc (09022015). Collection method: clinical testing. Allele origin: germline.
Comment: This sequence change replaces alanine, which is neutral and non-polar, with valine, which is neutral and non-polar, at codon 788 of the WDR19 protein (p.Ala788Val). In summary, the available evidence is currently insufficient to determine the role of this variant in disease. Therefore, it has been classified as a Variant of Uncertain Significance. Algorithms developed to predict the effect of missense changes on protein structure and function are either unavailable or do not agree on the potential impact of this missense change (SIFT: "Deleterious"; PolyPhen-2: "Benign"; Align-GVGD: "Class C0"). ClinVar contains an entry for this variant (Variation ID: 1005660). This variant has not been reported in the literature in individuals affected with WDR19-related conditions. This variant is present in population databases (no rsID available, gnomAD 0.008%).

NM_025132.4(WDR19):c.2363C>T (p.Ala788Val)

Gene: WDR19 (WD repeat domain 19; plus strand). Cytogenetic location: 4p14.
Variant type: single nucleotide variant.
Coding change: c.2363C>T on transcript NM_025132.4 (MANE Select); coding-DNA position 2363, C replaced by T.
Protein change: p.Ala788Val; replaces alanine 788 with valine.
Molecular consequence: missense variant.
Genome position (GRCh38, 1-based): chr4:39,234,875, C>T. VCF-style: chr4-39234875-C-T. GRCh37 (hg19) VCF-style: chr4-39236495-C-T.
Other names: c.1883C>T, p.Ala628Val (NM_001317924.2); short protein forms A628V, A788V.
Identifiers: ClinVar variation 1005660 (VCV001005660.8), dbSNP rs867487924, ClinGen allele CA2892058.